The following is an entry in ClinVar:

NM_000256.3(MYBPC3):c.1091-2A>C

Gene: MYBPC3 (myosin binding protein C3; minus strand). Cytogenetic location: 11p11.2.
Variant type: single nucleotide variant.
Coding change: c.1091-2A>C on transcript NM_000256.3 (MANE Select); the canonical splice acceptor site of the intron before coding-DNA position 1091, A replaced by C.
Molecular consequence: splice acceptor variant.
Genome position (GRCh38, 1-based): chr11:47,343,626, T>G on the plus strand (A>C on the coding strand, the complement: MYBPC3 is on the minus strand). VCF-style: chr11-47343626-T-G. GRCh37 (hg19) VCF-style: chr11-47365177-T-G.
Identifiers: ClinVar variation 1789325 (VCV001789325.2), dbSNP rs2142862326, ClinGen allele CA380329589.

ClinVar aggregate classification (germline): Pathogenic (1 of 4 stars; one submission).

Conditions:
Cardiovascular phenotype. Identifiers: MedGen CN230736.

Submission:

Ambry Genetics
Classification: Pathogenic for Cardiovascular phenotype. Last evaluated: 2018-08-20. Review status: criteria provided, single submitter. Criteria: Ambry Variant Classification Scheme 2023. Collection method: clinical testing. Allele origin: germline.
Comment: The c.1091-2A>C intronic pathogenic mutation results from an A to C substitution two nucleotides upstream from coding exon 13 in the MYBPC3 gene. This alteration has been reported in association with hypertrophic cardiomyopathy (HCM) (Bos JM et al. Mayo Clin. Proc., 2014 Jun;89:727-37). In addition to the clinical data presented in the literature, alterations that disrupt the canonical splice site are expected to cause aberrant splicing, resulting in an abnormal protein or a transcript that is subject to nonsense-mediated mRNA decay. As such, this alteration is classified as a disease-causing mutation.

Literature cited by the submitters: PubMed 24793961.